The following is an entry in ClinVar:

ClinVar aggregate classification (germline): Uncertain significance. Review status: criteria provided, multiple submitters, no conflicts (2 of 4 stars). 7 submissions from 7 submitters: Uncertain significance (7). Last evaluated 2026-07-14.

Conditions:
MYH7-related disorder. Also called: MYH7-related condition; MYH7-related disease; MYH7-related disorders.
Cardiovascular phenotype. Identifiers: MedGen CN230736.
Cardiomyopathy (CMYO). Also called: Cardiomyopathies. Identifiers: Orphanet 167848, MedGen C0878544, MONDO:0004994, HP:0001638. Inheritance: Various modes of inheritance.
Hypertrophic cardiomyopathy. Also called: HYPERTROPHIC MYOCARDIOPATHY. Identifiers: Orphanet 217569, MedGen C0007194, MeSH D002312, MONDO:0005045, HP:0001639.

Allele frequency attached by ClinVar (database versions not stated): gnomAD exomes 0.00001.
gnomAD v4.1: 6 of 1,609,242 alleles (0.00037%); highest among the groups gnomAD compares: East Asian, 0.0022%; no homozygotes.

Submissions (7):

PreventionGenetics, part of Exact Sciences
Classification: Uncertain significance for MYH7-related condition. Last evaluated: 2026-07-14. Review status: criteria provided, single submitter. Criteria: ACMG Guidelines, 2015. Collection method: clinical testing. Allele origin: germline.
Comment: The MYH7 c.3341G>A variant is predicted to result in the amino acid substitution p.Arg1114His. This variant has been reported in the heterozygous state in an individual with sudden unexplained nocturnal death syndrome (Zhang et al. 2016. PubMed ID: 27707468) and in multiple individuals with hypertrophic or dilated cardiomyopathy (Table S1, Walsh et al. 2017. PubMed ID: 27532257; Table S8, McGurk et al. 2023. PubMed ID: 37652022; Phan et al. 2024. PubMed ID: 38186735). This variant is reported in 0.0055% of alleles in individuals of East Asian descent in gnomAD and is interpreted as uncertain in ClinVar (Variation ID: 181221). At this time, the clinical significance of this variant is uncertain due to the absence of conclusive functional and genetic evidence.

GeneDx
Classification: Uncertain significance. Last evaluated: 2026-01-22. Review status: criteria provided, single submitter. Criteria: GeneDx Variant Classification Process June 2021. Collection method: clinical testing. Allele origin: germline. Affected: yes.
Comment: Not observed at significant frequency in large population cohorts (gnomAD); In silico analysis supports that this missense variant has a deleterious effect on protein structure/function; This variant is associated with the following publications: (PMID: 27707468, Pham2022[CaseReport], 31941943, 37652022, 38186735, 27532257)

Color Diagnostics, LLC DBA Color Health
Classification: Uncertain significance for Cardiomyopathy. Last evaluated: 2025-11-05. Review status: criteria provided, single submitter. Criteria: ACMG Guidelines, 2015. Collection method: clinical testing. Allele origin: germline.
Comment: This missense variant replaces arginine with histidine at codon 1114 of the MYH7 protein. Computational prediction suggests that this variant may have deleterious impact on protein structure and function. To our knowledge, functional studies have not been reported for this variant. This variant has been reported in two individuals affected with hypertrophic cardiomyopathy (Pham 2022, DOI: 10.2174/18741924-v16-e2202280 and PMID: 27532257) and in an individual affected with sudden unexplained death (PMID: 27707468). This variant has been identified in 6/1609242 chromosomes in the general population by the Genome Aggregation Database (gnomAD). The available evidence is insufficient to determine the role of this variant in disease conclusively. Therefore, this variant is classified as a Variant of Uncertain Significance.

Molecular Diagnostic Laboratory for Inherited Cardiovascular Disease, Montreal Heart Institute
Classification: Uncertain significance for Cardiovascular phenotype. Last evaluated: 2025-04-09. Review status: criteria provided, single submitter. Criteria: ACMG Guidelines, 2015. Collection method: clinical testing. Allele origin: germline. Affected: yes.
Comment: PM2, PS4_supp, PP3

Ambry Genetics
Classification: Uncertain significance for Cardiovascular phenotype. Last evaluated: 2024-12-23. Review status: criteria provided, single submitter. Criteria: Ambry Variant Classification Scheme 2023. Collection method: clinical testing. Allele origin: germline.
Comment: The p.R1114H variant (also known as c.3341G>A), located in coding exon 25 of the MYH7 gene, results from a G to A substitution at nucleotide position 3341. The arginine at codon 1114 is replaced by histidine, an amino acid with highly similar properties. This variant was reported in individual(s) with features consistent with hypertrophic cardiomyopathy (HCM) (Walsh R et al. Genet Med, 2017 Feb;19:192-203; Luo Q et al. Sci Rep, 2020 Jan;10:349; Phan PD et al. JRSM Cardiovasc Dis, 2024 Jan;13:20480040231220100). This amino acid position is highly conserved in available vertebrate species. In addition, the in silico prediction for this alteration is inconclusive. Based on the available evidence, the clinical significance of this variant remains unclear.

All of Us Research Program, National Institutes of Health
Classification: Uncertain significance for Cardiomyopathy. Last evaluated: 2024-09-23. Review status: criteria provided, single submitter. Criteria: ACMG Guidelines, 2015. Collection method: clinical testing. Allele origin: germline. Inheritance: Autosomal dominant inheritance. Observed: 2 variant alleles, 2 heterozygotes.
Comment: This missense variant replaces arginine with histidine at codon 1114 of the MYH7 protein. Computational prediction suggests that this variant may have deleterious impact on protein structure and function (internally defined REVEL score threshold >= 0.7, PMID: 27666373). To our knowledge, functional studies have not been reported for this variant. This variant has been reported in two individuals affected with hypertrophic cardiomyopathy (Pham 2022, DOI: 10.2174/18741924-v16-e2202280 and PMID: 27532257) and in an individual affected with sudden unexplained death (PMID: 27707468). This variant has been identified in 3/244126 chromosomes in the general population by the Genome Aggregation Database (gnomAD). The available evidence is insufficient to determine the role of this variant in disease conclusively. Therefore, this variant is classified as a Variant of Uncertain Significance.

This study involves interpretation of variants in research participants for the purpose of population health screening. Participant phenotype was not available at the time of variant classification. Additional details can be found in publication PMID: 35346344, PMCID: PMC8962531

Labcorp Genetics (formerly Invitae), Labcorp
Classification: Uncertain significance for Hypertrophic cardiomyopathy. Last evaluated: 2023-10-10. Review status: criteria provided, single submitter. Criteria: Invitae Variant Classification Sherloc (09022015). Collection method: clinical testing. Allele origin: germline.
Comment: This sequence change replaces arginine, which is basic and polar, with histidine, which is basic and polar, at codon 1114 of the MYH7 protein (p.Arg1114His). This variant is present in population databases (rs730880773, gnomAD 0.006%). This missense change has been observed in individual(s) with hypertrophic cardiomyopathy (PMID: 27532257). ClinVar contains an entry for this variant (Variation ID: 181221). Advanced modeling of protein sequence and biophysical properties (such as structural, functional, and spatial information, amino acid conservation, physicochemical variation, residue mobility, and thermodynamic stability) performed at Invitae indicates that this missense variant is expected to disrupt MYH7 protein function. In summary, the available evidence is currently insufficient to determine the role of this variant in disease. Therefore, it has been classified as a Variant of Uncertain Significance.

Literature cited by the submitters: PubMed 27707468 (cited by Color Diagnostics, LLC DBA Color Health and All of Us Research Program, National Institutes of Health); PubMed 27532257 (cited by 3 submitters); PubMed 31941943 (cited by Ambry Genetics); PubMed 38186735 (cited by Ambry Genetics).

NM_000257.4(MYH7):c.3341G>A (p.Arg1114His)

Gene: MYH7 (myosin heavy chain 7; minus strand). Cytogenetic location: 14q11.2.
Variant type: single nucleotide variant.
Coding change: c.3341G>A on transcript NM_000257.4 (MANE Select); coding-DNA position 3341, G replaced by A.
Protein change: p.Arg1114His; replaces arginine 1114 with histidine.
Molecular consequence: missense variant.
Genome position (GRCh38, 1-based): chr14:23,420,230, C>T on the plus strand (G>A on the coding strand, the complement: MYH7 is on the minus strand). VCF-style: chr14-23420230-C-T. GRCh37 (hg19) VCF-style: chr14-23889439-C-T.
Other names: p.R1114H:CGC>CAC; c.3341G>A (LRG_384t1, NM_000257.3); short protein forms R1114H.
Identifiers: ClinVar variation 181221 (VCV000181221.14), dbSNP rs730880773, ClinGen allele CA013608.
Genomic context (GRCh38, chr14:23,420,230, plus strand): 5'-TTCTCCACCTTAGCCCTGGCGGTGCGCTCGGCCTCCAGCTCCTCCTCCAGCTCCTCGATG[C>T]GTGCCTGGTCAGACACAAAGGGCTCAGACCCACCGCCTGGACCCCTCCACTGGAATCCCC-3'
Protein context (NP_000248.2, residues 1104-1124): LQKKLKELQA[Arg1114His]IEELEEELEA